The following is an entry in ClinVar:

NM_007194.4(CHEK2):c.1051G>A (p.Glu351Lys)

Gene: CHEK2 (checkpoint kinase 2; minus strand). Cytogenetic location: 22q12.1.
Variant type: single nucleotide variant.
Coding change: c.1051G>A on transcript NM_007194.4 (MANE Select); coding-DNA position 1051, G replaced by A.
Protein change: p.Glu351Lys; replaces glutamic acid 351 with lysine.
Molecular consequence: missense variant. On other transcripts: intron variant (3).
Genome position (GRCh38, 1-based): chr22:28,696,945, C>T on the plus strand (G>A on the coding strand, the complement: CHEK2 is on the minus strand). VCF-style: chr22-28696945-C-T. GRCh37 (hg19) VCF-style: chr22-29092933-C-T.
Other names: c.1180G>A, p.Glu394Lys (NM_001005735.3); c.388G>A, p.Glu130Lys (NM_001257387.3, NM_001437942.1); c.850G>A, p.Glu284Lys (NM_001349956.3); c.1144G>A, p.Glu382Lys (NM_001438293.1); c.1009-1072G>A (NM_145862.3); c.1102-1072G>A (NM_001438295.1); c.1138-1072G>A (NM_001438294.1); short protein forms E351K, E284K, E130K, E394K, E382K.
Identifiers: ClinVar variation 567241 (VCV000567241.17), dbSNP rs1555914308, ClinGen allele CA411097664.

ClinVar aggregate classification (germline): Uncertain significance. Review status: criteria provided, multiple submitters, no conflicts (2 of 4 stars). 3 submissions from 3 submitters: Uncertain significance (3). Last evaluated 2025-12-03.

Conditions:
Hereditary cancer-predisposing syndrome. Also called: Neoplastic Syndromes, Hereditary; Tumor predisposition; Hereditary neoplastic syndrome; Hereditary Cancer Syndrome. Identifiers: Orphanet 140162, MedGen C0027672, MeSH D009386, MONDO:0015356.
Familial cancer of breast. Also called: BREAST CANCER, FAMILIAL; Hereditary breast cancer; hereditary breast carcinoma. Identifiers: Orphanet 227535, MedGen C0346153, MONDO:0016419, OMIM 114480. Disease mechanism: loss of function.

Allele frequency attached by ClinVar (database versions not stated): gnomAD exomes below 0.00001.
gnomAD v4.1: 1 of 1,613,646 alleles (0.000062%); highest among the groups gnomAD compares: Non-Finnish European, 0.000085%; no homozygotes.

Submissions (3):

Labcorp Genetics (formerly Invitae), Labcorp
Classification: Uncertain significance for Familial cancer of breast. Last evaluated: 2025-12-03. Review status: criteria provided, single submitter. Criteria: Invitae Variant Classification Sherloc (09022015). Collection method: clinical testing. Allele origin: germline.
Comment: This sequence change replaces glutamic acid, which is acidic and polar, with lysine, which is basic and polar, at codon 351 of the CHEK2 protein (p.Glu351Lys). This variant is not present in population databases (gnomAD no frequency). This variant has not been reported in the literature in individuals affected with CHEK2-related conditions. ClinVar contains an entry for this variant (Variation ID: 567241). An algorithm developed to predict the effect of missense changes on protein structure and function (PolyPhen-2) suggests that this variant is likely to be disruptive. In summary, the available evidence is currently insufficient to determine the role of this variant in disease. Therefore, it has been classified as a Variant of Uncertain Significance.

Ambry Genetics
Classification: Uncertain significance for Hereditary cancer-predisposing syndrome. Last evaluated: 2025-03-26. Review status: criteria provided, single submitter. Criteria: Ambry Variant Classification Scheme 2023. Collection method: clinical testing. Allele origin: germline.
Comment: The p.E351K variant (also known as c.1051G>A), located in coding exon 9 of the CHEK2 gene, results from a G to A substitution at nucleotide position 1051. The glutamic acid at codon 351 is replaced by lysine, an amino acid with similar properties. This amino acid position is highly conserved in available vertebrate species. In addition, this alteration is predicted to be deleterious by in silico analysis. Based on the available evidence, the clinical significance of this variant remains unclear.

Color Diagnostics, LLC DBA Color Health
Classification: Uncertain significance for Hereditary cancer-predisposing syndrome. Last evaluated: 2024-03-06. Review status: criteria provided, single submitter. Criteria: ACMG Guidelines, 2015. Collection method: clinical testing. Allele origin: germline.
Comment: This missense variant replaces glutamic acid with lysine at codon 351 of the CHEK2 protein. Computational prediction is inconclusive regarding the impact of this variant on protein structure and function. To our knowledge, functional studies have not been reported for this variant. This variant has not been reported in individuals affected with CHEK2-related disorders in the literature, but this variant has been reported in an unaffected individual (PMID: 33471991). This variant has not been identified in the general population by the Genome Aggregation Database (gnomAD). The available evidence is insufficient to determine the role of this variant in disease conclusively. Therefore, this variant is classified as a Variant of Uncertain Significance.

Literature cited by the submitters: PubMed 33471991 (cited by Color Diagnostics, LLC DBA Color Health).